The following is an entry in ClinVar:

ClinVar aggregate classification (germline): Uncertain significance (1 of 4 stars; one submission).

Conditions:
Cardiovascular phenotype. Identifiers: MedGen CN230736.

gnomAD v4.1: 1 of 1,610,136 alleles (0.000062%); highest among the groups gnomAD compares: African/African-American, 0.0013%; no homozygotes.

Submission:

Ambry Genetics
Classification: Uncertain significance for Cardiovascular phenotype. Last evaluated: 2024-11-09. Review status: criteria provided, single submitter. Criteria: Ambry Variant Classification Scheme 2023. Collection method: clinical testing. Allele origin: germline.
Comment: The c.8437-5T>A intronic variant results from a T to A substitution 5 nucleotides upstream from coding exon 57 in the RYR2 gene. This nucleotide position is not well conserved in available vertebrate species. In silico splice site analysis predicts that this alteration will not have any significant effect on splicing. Based on the available evidence, the clinical significance of this variant remains unclear.

NM_001035.3(RYR2):c.8437-5T>A

Gene: RYR2 (ryanodine receptor 2; plus strand). Cytogenetic location: 1q43.
Variant type: single nucleotide variant.
Coding change: c.8437-5T>A on transcript NM_001035.3 (MANE Select); 5 bases into the intron before coding-DNA position 8437, T replaced by A.
Molecular consequence: intron variant.
Genome position (GRCh38, 1-based): chr1:237,666,507, T>A. VCF-style: chr1-237666507-T-A. GRCh37 (hg19) VCF-style: chr1-237829807-T-A.
Identifiers: ClinVar variation 3436598 (VCV003436598.1).